The following is an entry in ClinVar:

NM_002430.3(MN1):c.1587G>A (p.Gln529=)

Gene: MN1 (MN1 proto-oncogene, transcriptional regulator; minus strand). Cytogenetic location: 22q12.1.
Variant type: single nucleotide variant.
Coding change: c.1587G>A on transcript NM_002430.3 (MANE Select); coding-DNA position 1587, G replaced by A.
Protein change: p.Gln529=; no amino-acid change (glutamine 529 retained).
Molecular consequence: synonymous variant.
Genome position (GRCh38, 1-based): chr22:27,798,957, C>T on the plus strand (G>A on the coding strand, the complement: MN1 is on the minus strand). VCF-style: chr22-27798957-C-T. GRCh37 (hg19) VCF-style: chr22-28194945-C-T.
Identifiers: ClinVar variation 4533430 (VCV004533430.6).
Genomic context (GRCh38, chr22:27,798,957, plus strand): 5'-CTGCTGCTGCTGCTGTTGCTGTTGCTGTTGCTGCTGCTGCTGCTGCTGTTGCTGCTGCTG[C>T]TGCTGCTGCTGCTGCTGTTGCAGGGACTGGTGGTCCGGGGCCGGATGCTGCAGGGGCGGC-3'
Protein context (NP_002421.3, residues 519-539): HQSLQQQQQQ[Gln529=]QQQQQQQQQQ

ClinVar aggregate classification (germline): Likely benign (1 of 4 stars; one submission).

Submission:

CeGaT Center for Human Genetics Tuebingen
Classification: Likely benign. Last evaluated: 2025-11-01. Review status: criteria provided, single submitter. Criteria: CeGaT Center For Human Genetics Tuebingen Variant Classification Criteria Version 2. Collection method: clinical testing. Allele origin: germline. Affected: yes. Observed: 1 variant allele.
Comment: MN1: PM2:Supporting, BP4, BP7